The following is an entry in ClinVar:

ClinVar aggregate classification (germline): Uncertain significance (1 of 4 stars; one submission).

Conditions:
Progressive myoclonic epilepsy type 8. Identifiers: Orphanet 424027, MedGen C5190825, MONDO:0014545, OMIM 616230.

Allele frequency attached by ClinVar (database versions not stated): gnomAD exomes 0.00001; ExAC 0.00002.
gnomAD v4.1: 4 of 1,610,964 alleles (0.00025%); highest among the groups gnomAD compares: Non-Finnish European, 0.00034%; no homozygotes.

Submission:

Labcorp Genetics (formerly Invitae), Labcorp
Classification: Uncertain significance for Progressive myoclonic epilepsy type 8. Last evaluated: 2022-09-12. Review status: criteria provided, single submitter. Criteria: Invitae Variant Classification Sherloc (09022015). Collection method: clinical testing. Allele origin: germline.
Comment: This variant is present in population databases (rs748527035, gnomAD 0.002%). This sequence change replaces serine, which is neutral and polar, with asparagine, which is neutral and polar, at codon 102 of the CERS1 protein (p.Ser102Asn). In summary, the available evidence is currently insufficient to determine the role of this variant in disease. Therefore, it has been classified as a Variant of Uncertain Significance. Advanced modeling of protein sequence and biophysical properties (such as structural, functional, and spatial information, amino acid conservation, physicochemical variation, residue mobility, and thermodynamic stability) performed at Invitae indicates that this missense variant is not expected to disrupt CERS1 protein function. ClinVar contains an entry for this variant (Variation ID: 1483570). This variant has not been reported in the literature in individuals affected with CERS1-related conditions.

NM_021267.5(CERS1):c.305G>A (p.Ser102Asn)

Genes: CERS1 (ceramide synthase 1; minus strand), GDF1 (growth differentiation factor 1; minus strand). Cytogenetic location: 19p13.11.
Variant type: single nucleotide variant.
Coding change: c.305G>A on transcript NM_021267.5 (MANE Select); coding-DNA position 305, G replaced by A.
Protein change: p.Ser102Asn; replaces serine 102 with asparagine.
Molecular consequence: missense variant. On other transcripts: 5 prime UTR variant (2).
Genome position (GRCh38, 1-based): chr19:18,893,520, C>T on the plus strand (G>A on the coding strand, the complement: CERS1 is on the minus strand). VCF-style: chr19-18893520-C-T. GRCh37 (hg19) VCF-style: chr19-19004329-C-T.
Other names: c.11G>A, p.Ser4Asn (NM_001290265.2, NM_001387442.1, NM_001387443.1 and 2 more transcripts); c.305G>A, p.Ser102Asn (NM_001387439.1, NM_001387440.1, NM_001387441.1 and 1 more transcripts); c.-598G>A (NM_001387438.1); c.-1018G>A (NM_001492.6); short protein forms S4N, S102N.
Identifiers: ClinVar variation 1483570 (VCV001483570.6), dbSNP rs748527035, ClinGen allele CA9318311.
Genomic context (GRCh38, chr19:18,893,520, plus strand): 5'-CCAAACAGCAGGTAGGCACTGTAGCTCCAGCTGCCCAGGTAGAAGAGAAACTTCCAAGCG[C>T]TCTCGGGCATCTTGGCGGCATCTCTGGGCTGGAGGCAGCACCGCTTCGCCAGGGGCTATG-3'
Protein context (NP_067090.1, residues 92-112): QPRDAAKMPE[Ser102Asn]AWKFLFYLGS